The following is an entry in ClinVar:

ClinVar aggregate classification (germline): Uncertain significance (1 of 4 stars; one submission).

Submission:

GeneDx
Classification: Uncertain significance. Last evaluated: 2025-08-07. Review status: criteria provided, single submitter. Criteria: GeneDx Variant Classification Process June 2021. Collection method: clinical testing. Allele origin: germline. Affected: yes.
Comment: Not observed at significant frequency in large population cohorts (gnomAD); In silico analysis suggests that this missense variant does not alter protein structure/function; Has not been previously published as pathogenic or benign to our knowledge

NM_030948.6(PHACTR1):c.850C>G (p.Gln284Glu)

Gene: PHACTR1 (phosphatase and actin regulator 1; plus strand). Cytogenetic location: 6p24.1.
Variant type: single nucleotide variant.
Coding change: c.850C>G on transcript NM_030948.6 (MANE Select); coding-DNA position 850, C replaced by G.
Protein change: p.Gln284Glu; replaces glutamine 284 with glutamic acid.
Molecular consequence: missense variant.
Genome position (GRCh38, 1-based): chr6:13,206,000, C>G. VCF-style: chr6-13206000-C-G. GRCh37 (hg19) VCF-style: chr6-13206232-C-G.
Other names: c.1060C>G, p.Gln354Glu (NM_001322314.4); c.850C>G, p.Gln284Glu (NM_001374581.2, NM_001242648.4, NM_001322308.3 and 1 more transcripts); c.1057C>G, p.Gln353Glu (NM_001374582.1, NM_001322310.2); c.574C>G, p.Gln192Glu (NM_001374583.2, NM_001322311.2, NM_001322312.3); c.781C>G, p.Gln261Glu (NM_001322313.2); short protein forms Q192E, Q261E, Q284E, Q353E, Q354E.
Identifiers: ClinVar variation 4755986 (VCV004755986.1).